The following is an entry in ClinVar:

NM_001100.4(ACTA1):c.1027A>G (p.Ile343Val)

Gene: ACTA1 (actin alpha 1, skeletal muscle; minus strand). Cytogenetic location: 1q42.13.
Variant type: single nucleotide variant.
Coding change: c.1027A>G on transcript NM_001100.4 (MANE Select); coding-DNA position 1027, A replaced by G.
Protein change: p.Ile343Val; replaces isoleucine 343 with valine.
Molecular consequence: missense variant.
Genome position (GRCh38, 1-based): chr1:229,431,606, T>C on the plus strand (A>G on the coding strand, the complement: ACTA1 is on the minus strand). VCF-style: chr1-229431606-T-C. GRCh37 (hg19) VCF-style: chr1-229567353-T-C.
Other names: short protein forms I343V.
Identifiers: ClinVar variation 1709939 (VCV001709939.2), dbSNP rs2527435594, ClinGen allele CA345144772.

ClinVar aggregate classification (germline): Uncertain significance (1 of 4 stars; one submission).

Conditions:
Progressive scapulohumeroperoneal distal myopathy. Also called: Myopathy, scapulohumeroperoneal. Identifiers: Orphanet 447977, MedGen C4225181, MONDO:0014800, OMIM 616852.

Submission:

MGZ Medical Genetics Center
Classification: Uncertain significance for Progressive scapulohumeroperoneal distal myopathy. Last evaluated: 2021-09-15. Review status: criteria provided, single submitter. Criteria: ACMG Guidelines, 2015. Collection method: clinical testing. Allele origin: germline. Affected: yes. Observed: 1 variant allele.
Comment: ACMG criteria applied: PM2_SUP, PP3